The following is an entry in ClinVar:

NM_005263.5(GFI1):c.589C>G (p.Leu197Val)

Gene: GFI1 (growth factor independent 1 transcriptional repressor; minus strand). Cytogenetic location: 1p22.1.
Variant type: single nucleotide variant.
Coding change: c.589C>G on transcript NM_005263.5 (MANE Select); coding-DNA position 589, C replaced by G.
Protein change: p.Leu197Val; replaces leucine 197 with valine.
Molecular consequence: missense variant.
Genome position (GRCh38, 1-based): chr1:92,480,798, G>C on the plus strand (C>G on the coding strand, the complement: GFI1 is on the minus strand). VCF-style: chr1-92480798-G-C. GRCh37 (hg19) VCF-style: chr1-92946355-G-C.
Other names: c.589C>G, p.Leu197Val (NM_001127215.3, NM_001127216.3); short protein forms L197V.
Identifiers: ClinVar variation 3347776 (VCV003347776.2).

ClinVar aggregate classification (germline): Uncertain significance. Review status: criteria provided, single submitter (1 of 4 stars). 2 submissions from 2 submitters: Uncertain significance (1). 1 of the submissions does not count toward it. Last evaluated 2025-04-13.

Conditions:
GFI1-related disorder. Also called: GFI1-related condition.

gnomAD v4.1: 6 of 1,592,546 alleles (0.00038%); highest among the groups gnomAD compares: Non-Finnish European, 0.00043%; no homozygotes.

Submissions (2):

Ambry Genetics
Classification: Uncertain significance. Last evaluated: 2025-04-13. Review status: criteria provided, single submitter. Criteria: Ambry Variant Classification Scheme 2023. Collection method: clinical testing. Allele origin: germline.
Comment: The p.L197V variant (also known as c.589C>G), located in coding exon 3 of the GFI1 gene, results from a C to G substitution at nucleotide position 589. The leucine at codon 197 is replaced by valine, an amino acid with highly similar properties. This amino acid position is conserved. In addition, this alteration is predicted to be tolerated by in silico analysis. Based on the available evidence, the clinical significance of this variant remains unclear.

PreventionGenetics, part of Exact Sciences
Classification: Uncertain significance for GFI1-related condition. Last evaluated: 2024-07-18. Review status: no assertion criteria provided. Collection method: clinical testing. Allele origin: germline. Not counted in ClinVar's aggregate classification.
Comment: The GFI1 c.589C>G variant is predicted to result in the amino acid substitution p.Leu197Val. To our knowledge, this variant has not been reported in the literature. This variant is reported in 0.0012% of alleles in individuals of European (Non-Finnish) descent in gnomAD. At this time, the clinical significance of this variant is uncertain due to the absence of conclusive functional and genetic evidence.